The following is an entry in ClinVar:

NM_020207.7(ERCC6L2):c.4175G>A (p.Arg1392His)

Gene: ERCC6L2 (ERCC excision repair 6 like 2; plus strand). Cytogenetic location: 9q22.32.
Variant type: single nucleotide variant.
Coding change: c.4175G>A on transcript NM_020207.7 (MANE Select); coding-DNA position 4175, G replaced by A.
Protein change: p.Arg1392His; replaces arginine 1392 with histidine.
Molecular consequence: missense variant. On other transcripts: non-coding transcript variant (1), intron variant (2).
Genome position (GRCh38, 1-based): chr9:96,012,725, G>A. VCF-style: chr9-96012725-G-A. GRCh37 (hg19) VCF-style: chr9-98775007-G-A.
Other names: c.3674+8024G>A (NM_001375291.1, NM_001375292.1); short protein forms R1392H.
Identifiers: ClinVar variation 1307901 (VCV001307901.5), dbSNP rs143901137, ClinGen allele CA5140072.

ClinVar aggregate classification (germline): Uncertain significance. Review status: criteria provided, multiple submitters, no conflicts (2 of 4 stars). 2 submissions from 2 submitters: Uncertain significance (2). Last evaluated 2023-10-05.

Allele frequency attached by ClinVar (database versions not stated): gnomAD exomes 0.00003 and 0.00006; ExAC 0.00006; gnomAD 0.00011 and 0.00012; ESP Exome Variant Server 0.00015; 1000 Genomes Project 30x 0.00016; TOPMed 0.00018; 1000 Genomes Project 0.00020.
gnomAD v4.1: 48 of 1,367,510 alleles (0.0035%); highest among the groups gnomAD compares: African/African-American, 0.043%; no homozygotes.

Submissions (2):

Labcorp Genetics (formerly Invitae), Labcorp
Classification: Uncertain significance. Last evaluated: 2023-10-05. Review status: criteria provided, single submitter. Criteria: Invitae Variant Classification Sherloc (09022015). Collection method: clinical testing. Allele origin: germline.
Comment: This sequence change replaces arginine, which is basic and polar, with histidine, which is basic and polar, at codon 1403 of the ERCC6L2 protein (p.Arg1403His). This variant is present in population databases (rs143901137, gnomAD 0.04%). This variant has not been reported in the literature in individuals affected with ERCC6L2-related conditions. ClinVar contains an entry for this variant (Variation ID: 1307901). Experimental studies and prediction algorithms are not available or were not evaluated, and the functional significance of this variant is currently unknown. In summary, the available evidence is currently insufficient to determine the role of this variant in disease. Therefore, it has been classified as a Variant of Uncertain Significance.

GeneDx
Classification: Uncertain significance. Last evaluated: 2019-08-28. Review status: criteria provided, single submitter. Criteria: GeneDx Variant Classification Process June 2021. Collection method: clinical testing. Allele origin: germline. Affected: yes.
Comment: In silico analysis, which includes protein predictors and evolutionary conservation, is unavailable for this variant; Has not been previously published as pathogenic or benign to our knowledge